The following is an entry in ClinVar:

NM_001040108.2(MLH3):c.2717G>A (p.Arg906Lys)

Gene: MLH3 (mutL homolog 3; minus strand). Cytogenetic location: 14q24.3.
Variant type: single nucleotide variant.
Coding change: c.2717G>A on transcript NM_001040108.2 (MANE Select); coding-DNA position 2717, G replaced by A.
Protein change: p.Arg906Lys; replaces arginine 906 with lysine.
Molecular consequence: missense variant.
Genome position (GRCh38, 1-based): chr14:75,046,939, C>T on the plus strand (G>A on the coding strand, the complement: MLH3 is on the minus strand). VCF-style: chr14-75046939-C-T. GRCh37 (hg19) VCF-style: chr14-75513642-C-T.
Other names: c.2717G>A, p.Arg906Lys (NM_014381.3); short protein forms R906K.
Identifiers: ClinVar variation 3396777 (VCV003396777.1).
Genomic context (GRCh38, chr14:75,046,939, plus strand): 5'-TTGTTGTTAAATAACATACAAAAATCTTGTGTTAACACACTGCACAACTTGCTGTCTTTC[C>T]TACTGGAATCTGAATTTGGAAGTTCATTAAAACGACTCATCATCCCCATTGTTTGAGTTT-3'
Protein context (NP_001035197.1, residues 896-916): FNELPNSDSS[Arg906Lys]KDSKLCSVLT

ClinVar aggregate classification (germline): Uncertain significance (1 of 4 stars; one submission).

gnomAD v4.1: 6 of 1,614,072 alleles (0.00037%); highest among the groups gnomAD compares: Non-Finnish European, 0.00051%; no homozygotes.

Submission:

Ambry Genetics
Classification: Uncertain significance. Last evaluated: 2024-11-24. Review status: criteria provided, single submitter. Criteria: Ambry Variant Classification Scheme 2023. Collection method: clinical testing. Allele origin: germline.
Comment: The p.R906K variant (also known as c.2717G>A), located in coding exon 1 of the MLH3 gene, results from a G to A substitution at nucleotide position 2717. The arginine at codon 906 is replaced by lysine, an amino acid with highly similar properties. This amino acid position is conserved. In addition, this alteration is predicted to be tolerated by in silico analysis. Based on the available evidence, the clinical significance of this variant remains unclear.